The following is an entry in ClinVar:

ClinVar aggregate classification (germline): Uncertain significance. Review status: criteria provided, multiple submitters, no conflicts (2 of 4 stars). 2 submissions from 2 submitters: Uncertain significance (2). Last evaluated 2026-02-02.

Conditions:
Inborn genetic diseases. Identifiers: MedGen C0950123, MeSH D030342.

Allele frequency attached by ClinVar (database versions not stated): ExAC 0.00001; gnomAD 0.00001; gnomAD exomes 0.00001; TOPMed 0.00002; ESP Exome Variant Server 0.00008.
gnomAD v4.1: 12 of 1,613,888 alleles (0.00074%); highest among the groups gnomAD compares: Non-Finnish European, 0.001%; no homozygotes.

Submissions (2):

Labcorp Genetics (formerly Invitae), Labcorp
Classification: Uncertain significance. Last evaluated: 2026-02-02. Review status: criteria provided, single submitter. Criteria: Invitae Variant Classification Sherloc (09022015). Collection method: clinical testing. Allele origin: germline.
Comment: This sequence change replaces valine, which is neutral and non-polar, with glycine, which is neutral and non-polar, at codon 235 of the RIN2 protein (p.Val235Gly). This variant is present in population databases (rs372178193, gnomAD 0.003%). This variant has not been reported in the literature in individuals affected with RIN2-related conditions. ClinVar contains an entry for this variant (Variation ID: 2600133). An algorithm developed to predict the effect of missense changes on protein structure and function outputs the following: PolyPhen-2: "Not Available". The glycine amino acid residue is found in multiple mammalian species, which suggests that this missense change does not adversely affect protein function. In summary, the available evidence is currently insufficient to determine the role of this variant in disease. Therefore, it has been classified as a Variant of Uncertain Significance.

Ambry Genetics
Classification: Uncertain significance for Inborn genetic diseases. Last evaluated: 2023-08-14. Review status: criteria provided, single submitter. Criteria: Ambry Variant Classification Scheme 2023. Collection method: clinical testing. Allele origin: germline.

NM_018993.4(RIN2):c.704T>G (p.Val235Gly)

Gene: RIN2 (Ras and Rab interactor 2; plus strand). Cytogenetic location: 20p11.23.
Variant type: single nucleotide variant.
Coding change: c.704T>G on transcript NM_018993.4 (MANE Select); coding-DNA position 704, T replaced by G.
Protein change: p.Val235Gly; replaces valine 235 with glycine.
Molecular consequence: missense variant.
Genome position (GRCh38, 1-based): chr20:19,974,729, T>G. VCF-style: chr20-19974729-T-G. GRCh37 (hg19) VCF-style: chr20-19955373-T-G.
Other names: c.851T>G, p.Val284Gly (NM_001242581.2); c.86T>G, p.Val29Gly (NM_001378238.1); short protein forms V235G, V29G, V284G.
Identifiers: ClinVar variation 2600133 (VCV002600133.3), dbSNP rs372178193, ClinGen allele CA9779914.